The following is an entry in ClinVar:

ClinVar aggregate classification (germline): Likely benign. Review status: criteria provided, multiple submitters, no conflicts (2 of 4 stars). 6 submissions from 6 submitters: Likely benign (6). Last evaluated 2026-09-01.

Allele frequency attached by ClinVar (database versions not stated): ExAC 0.00049; gnomAD exomes 0.00057 and 0.00079; 1000 Genomes Project 30x 0.00062; ESP Exome Variant Server 0.00069; 1000 Genomes Project 0.00080; gnomAD 0.00082 and 0.00084; TOPMed 0.00113.
gnomAD v4.1: 1,292 of 1,614,218 alleles (0.08%); highest among the groups gnomAD compares: Admixed American, 0.18%; 2 homozygotes.

Submissions (6):

CeGaT Center for Human Genetics Tuebingen
Classification: Likely benign. Last evaluated: 2026-09-01. Review status: criteria provided, single submitter. Criteria: CeGaT Center For Human Genetics Tuebingen Variant Classification Criteria Version 2. Collection method: clinical testing. Allele origin: germline. Affected: yes. Observed: 6 variant alleles.
Comment: FMN2: BP4, BP7

Women's Health and Genetics/Laboratory Corporation of America, LabCorp
Classification: Likely benign. Last evaluated: 2024-12-09. Review status: criteria provided, single submitter. Criteria: LabCorp Variant Classification Summary - May 2015. Collection method: clinical testing. Allele origin: germline.

Blueprint Genetics
Classification: Likely benign. Last evaluated: 2024-10-28. Review status: criteria provided, single submitter. Criteria: ACMG Guidelines, 2015. Collection method: clinical testing. Allele origin: germline.

Labcorp Genetics (formerly Invitae), Labcorp
Classification: Likely benign. Last evaluated: 2018-07-05. Review status: criteria provided, single submitter. Criteria: Invitae Variant Classification Sherloc (09022015). Collection method: clinical testing. Allele origin: germline.

Genetic Services Laboratory, University of Chicago
Classification: Likely benign. Last evaluated: 2015-11-19. Review status: criteria provided, single submitter. Criteria: ACMG Guidelines, 2015. Collection method: clinical testing. Allele origin: germline. Affected: no.

Breakthrough Genomics
Classification: Likely benign. Review status: criteria provided, single submitter. Criteria: ACMG Guidelines, 2015. Collection method: not provided. Allele origin: germline. Inheritance: Autosomal recessive inheritance. Affected: yes.

NM_020066.5(FMN2):c.1653G>A (p.Glu551=)

Gene: FMN2 (formin 2; plus strand). Cytogenetic location: 1q43.
Variant type: single nucleotide variant.
Coding change: c.1653G>A on transcript NM_020066.5 (MANE Select); coding-DNA position 1653, G replaced by A.
Protein change: p.Glu551=; no amino-acid change (glutamic acid 551 retained).
Molecular consequence: synonymous variant.
Genome position (GRCh38, 1-based): chr1:240,123,216, G>A. VCF-style: chr1-240123216-G-A. GRCh37 (hg19) VCF-style: chr1-240286516-G-A.
Other names: c.1653G>A, p.Glu551= (NM_001305424.2, NM_001348094.2).
Identifiers: ClinVar variation 435222 (VCV000435222.45), dbSNP rs149514160, ClinGen allele CA1476376.
Genomic context (GRCh38, chr1:240,123,216, plus strand): 5'-TAATGACTGTGTTTCATCTGCAGGGCGAACGCTGTTGGAGAAGCTGTTCAGCCAGCAGGA[G>A]AACGGGCCTCCAGAAGAAGCAGAGAAGTTTTGCTCCCGGATCATTGCCATGGGTCTTCTC-3'
Protein context (NP_064450.3, residues 541-561): TLLEKLFSQQ[Glu551=]NGPPEEAEKF